The following is an entry in ClinVar:

NM_144997.7(FLCN):c.1447C>T (p.Leu483=)

Gene: FLCN (folliculin; minus strand). Cytogenetic location: 17p11.2.
Variant type: single nucleotide variant.
Coding change: c.1447C>T on transcript NM_144997.7 (MANE Select); coding-DNA position 1447, C replaced by T.
Protein change: p.Leu483=; no amino-acid change (leucine 483 retained).
Molecular consequence: synonymous variant.
Genome position (GRCh38, 1-based): chr17:17,215,076, G>A on the plus strand (C>T on the coding strand, the complement: FLCN is on the minus strand). VCF-style: chr17-17215076-G-A. GRCh37 (hg19) VCF-style: chr17-17118390-G-A.
Other names: c.1501C>T, p.Leu501= (NM_001353229.2); c.1447C>T, p.Leu483= (NM_001353230.2, NM_001353231.2); c.1447C>T (NM_144997.5).
Identifiers: ClinVar variation 1134604 (VCV001134604.9), dbSNP rs2144833559, ClinGen allele CA498421154.

ClinVar aggregate classification (germline): Benign/Likely benign. Review status: criteria provided, multiple submitters, no conflicts (2 of 4 stars). 3 submissions from 3 submitters: Benign (1); Likely benign (2). Last evaluated 2025-07-05.

Conditions:
Hereditary cancer-predisposing syndrome. Also called: Neoplastic Syndromes, Hereditary; Hereditary neoplastic syndrome; Tumor predisposition; Hereditary Cancer Syndrome. Identifiers: Orphanet 140162, MedGen C0027672, MeSH D009386, MONDO:0015356.
Birt-Hogg-Dube syndrome. Also called: Birt Hogg Dubé syndrome. Identifiers: Orphanet 122, MedGen C0346010, MONDO:0800444.
Birt-Hogg-Dube syndrome 1 (BHD1). Also called: FIBROFOLLICULOMAS WITH TRICHODISCOMAS AND ACROCHORDONS. Identifiers: Orphanet 122, MedGen CN375946, MONDO:0800445, OMIM 135150.

Submissions (3):

Ambry Genetics
Classification: Likely benign for Hereditary cancer-predisposing syndrome. Last evaluated: 2025-07-05. Review status: criteria provided, single submitter. Criteria: Ambry Variant Classification Scheme 2023. Collection method: clinical testing. Allele origin: germline.

Myriad Genetics, Inc.
Classification: Benign for Birt-Hogg-Dube syndrome 1. Last evaluated: 2024-10-25. Review status: criteria provided, single submitter. Criteria: Myriad Autosomal Dominant, Autosomal Recessive and X-Linked Classification Criteria (2023). Collection method: clinical testing. Allele origin: unknown.
Comment: This variant is considered benign. This variant is a silent/synonymous amino acid change and it is not expected to impact splicing.

Labcorp Genetics (formerly Invitae), Labcorp
Classification: Likely benign for Birt-Hogg-Dube syndrome. Last evaluated: 2024-10-07. Review status: criteria provided, single submitter. Criteria: Invitae Variant Classification Sherloc (09022015). Collection method: clinical testing. Allele origin: germline.